The following is an entry in ClinVar:

NM_001270.4(CHD1):c.1420GGA[3] (p.Gly475_His476insGly)

Gene: CHD1 (chromodomain helicase DNA binding protein 1; minus strand). Cytogenetic location: 5q15.
Variant type: Microsatellite.
Coding change: c.1420GGA[3] on transcript NM_001270.4 (MANE Select); three copies in a row of the 3-base unit GGA starting at c.1420; the reference has two copies in a row; one copy, 3 bases duplicated.
Protein change: p.Gly475_His476insGly.
Molecular consequence: inframe insertion. On other transcripts: non-coding transcript variant (2).
Genome position (GRCh38, 1-based): chr5:98,897,261-98,897,263, TCC duplicated on the plus strand (GGA on the coding strand, the reverse complement: CHD1 is on the minus strand); duplicating any 3 consecutive bases within chr5:98,897,261-98,897,266 gives the same sequence; the position shown is the placement nearest the transcript's 3' end. VCF-style (leftmost placement, unchanged base first): chr5-98897260-G-GTCC. GRCh37 (hg19) VCF-style: chr5-98232964-G-GTCC.
Other names: c.1420GGA[3], p.Gly475_His476insGly (NM_001364113.3, NM_001376194.2).
Identifiers: ClinVar variation 4755990 (VCV004755990.1).

ClinVar aggregate classification (germline): Uncertain significance (1 of 4 stars; one submission).

Submission:

GeneDx
Classification: Uncertain significance. Last evaluated: 2025-08-06. Review status: criteria provided, single submitter. Criteria: GeneDx Variant Classification Process June 2021. Collection method: clinical testing. Allele origin: germline. Affected: yes.
Comment: Not observed at significant frequency in large population cohorts (gnomAD); In-frame duplication of 1 amino acid(s) in a non-repeat region; Has not been previously published as pathogenic or benign to our knowledge